The following is an entry in ClinVar:

NM_003545.4(H4C5):c.110G>C (p.Arg37Pro)

Genes: H4C5 (H4 clustered histone 5; plus strand), LOC129996027 (ATAC-STARR-seq lymphoblastoid active region 24208; plus strand). Cytogenetic location: 6p22.2.
Variant type: single nucleotide variant.
Coding change: c.110G>C on transcript NM_003545.4 (MANE Select); coding-DNA position 110, G replaced by C.
Protein change: p.Arg37Pro; replaces arginine 37 with proline.
Molecular consequence: missense variant.
Genome position (GRCh38, 1-based): chr6:26,204,754, G>C. VCF-style: chr6-26204754-G-C. GRCh37 (hg19) VCF-style: chr6-26204982-G-C.
Other names: short protein forms R37P.
Identifiers: ClinVar variation 2598462 (VCV002598462.2), dbSNP rs753083420, ClinGen allele CA363200640.

ClinVar aggregate classification (germline): Likely pathogenic (1 of 4 stars; one submission).

Submission:

Ambry Genetics
Classification: Likely pathogenic. Last evaluated: 2023-08-04. Review status: criteria provided, single submitter. Criteria: Ambry Variant Classification Scheme 2023. Collection method: clinical testing. Allele origin: germline.
Comment: The c.110G>C (p.R37P) alteration is located in exon 1 (coding exon 1) of the HIST1H4E gene. This alteration results from a G to C substitution at nucleotide position 110, causing the arginine (R) at amino acid position 37 to be replaced by a proline (P). This variant was not reported in population-based cohorts in the Genome Aggregation Database (gnomAD). This amino acid position is highly conserved in available vertebrate species. This alteration is predicted to be deleterious by in silico analysis. Based on the available evidence, this alteration is classified as likely pathogenic.